The following is an entry in ClinVar:

ClinVar aggregate classification (germline): Uncertain significance (1 of 4 stars; one submission).

Conditions:
RASopathy. Also called: Noonan spectrum disorder; rasopathies. Identifiers: Orphanet 536391, MedGen C5555857, MONDO:0021060.

Submission:

Labcorp Genetics (formerly Invitae), Labcorp
Classification: Uncertain significance for RASopathy. Last evaluated: 2023-10-13. Review status: criteria provided, single submitter. Criteria: Invitae Variant Classification Sherloc (09022015). Collection method: clinical testing. Allele origin: germline.
Comment: This sequence change replaces leucine, which is neutral and non-polar, with methionine, which is neutral and non-polar, at codon 159 of the RAF1 protein (p.Leu159Met). This variant is not present in population databases (gnomAD no frequency). This variant has not been reported in the literature in individuals affected with RAF1-related conditions. Advanced modeling of protein sequence and biophysical properties (such as structural, functional, and spatial information, amino acid conservation, physicochemical variation, residue mobility, and thermodynamic stability) performed at Invitae indicates that this missense variant is expected to disrupt RAF1 protein function. In summary, the available evidence is currently insufficient to determine the role of this variant in disease. Therefore, it has been classified as a Variant of Uncertain Significance.

NM_002880.4(RAF1):c.475C>A (p.Leu159Met)

Gene: RAF1 (Raf-1 proto-oncogene, serine/threonine kinase; minus strand). Cytogenetic location: 3p25.2.
Variant type: single nucleotide variant.
Coding change: c.475C>A on transcript NM_002880.4 (MANE Select); coding-DNA position 475, C replaced by A.
Protein change: p.Leu159Met; replaces leucine 159 with methionine.
Molecular consequence: missense variant. On other transcripts: non-coding transcript variant (3).
Genome position (GRCh38, 1-based): chr3:12,608,872, G>T on the plus strand (C>A on the coding strand, the complement: RAF1 is on the minus strand). VCF-style: chr3-12608872-G-T. GRCh37 (hg19) VCF-style: chr3-12650371-G-T.
Other names: c.475C>A, p.Leu159Met (NM_001354689.3, NM_001354690.3, NM_001354693.3); c.232C>A, p.Leu78Met (NM_001354691.3, NM_001354692.3, NM_001354694.3 and 1 more transcripts); short protein forms L159M, L78M.
Identifiers: ClinVar variation 2857458 (VCV002857458.3), dbSNP rs1169686054, ClinGen allele CA351517293.
Genomic context (GRCh38, chr3:12,608,872, plus strand): 5'-TGGTGCTACAGTGCTCATGAAATTTGTAGCCACAAGTCTGACATCGAAATCCATTGAGCA[G>T]GAATTTCTGACAGATGTCACAGAAGGCAAGCTTCAGGAACGTCTTCCGAGCCTACAACAA-3'
Protein context (NP_002871.1, residues 149-169): LAFCDICQKF[Leu159Met]LNGFRCQTCG